The following is an entry in ClinVar:

ClinVar aggregate classification (germline): Uncertain significance (1 of 4 stars; one submission).

Conditions:
Dilated cardiomyopathy 1KK (CMD1KK). Identifiers: Orphanet 154, Orphanet 75249, MedGen C3714995, MONDO:0014100, OMIM 615248.

Allele frequency attached by ClinVar (database versions not stated): gnomAD exomes 0.00001.
gnomAD v4.1: 12 of 1,613,952 alleles (0.00074%); highest among the groups gnomAD compares: Non-Finnish European, 0.001%; no homozygotes.

Submission:

Labcorp Genetics (formerly Invitae), Labcorp
Classification: Uncertain significance for Dilated cardiomyopathy 1KK. Last evaluated: 2019-05-13. Review status: criteria provided, single submitter. Criteria: Invitae Variant Classification Sherloc (09022015). Collection method: clinical testing. Allele origin: germline.
Comment: This sequence change replaces valine with isoleucine at codon 1277 of the MYPN protein (p.Val1277Ile). The valine residue is weakly conserved and there is a small physicochemical difference between valine and isoleucine. This variant is not present in population databases (ExAC no frequency). This variant has not been reported in the literature in individuals with MYPN-related conditions. Algorithms developed to predict the effect of missense changes on protein structure and function output the following: SIFT: "Tolerated"; PolyPhen-2: "Benign"; Align-GVGD: "Class C0". The isoleucine amino acid residue is found in multiple mammalian species, suggesting that this missense change does not adversely affect protein function. These predictions have not been confirmed by published functional studies and their clinical significance is uncertain. In summary, the available evidence is currently insufficient to determine the role of this variant in disease. Therefore, it has been classified as a Variant of Uncertain Significance.

NM_032578.4(MYPN):c.3829G>A (p.Val1277Ile)

Gene: MYPN (myopalladin; plus strand). Cytogenetic location: 10q21.3.
Variant type: single nucleotide variant.
Coding change: c.3829G>A on transcript NM_032578.4 (MANE Select); coding-DNA position 3829, G replaced by A.
Protein change: p.Val1277Ile; replaces valine 1277 with isoleucine.
Molecular consequence: missense variant. On other transcripts: non-coding transcript variant (2).
Genome position (GRCh38, 1-based): chr10:68,210,321, G>A. VCF-style: chr10-68210321-G-A. GRCh37 (hg19) VCF-style: chr10-69970078-G-A.
Other names: c.3829G>A, p.Val1277Ile (NM_001256267.2); c.2947G>A, p.Val983Ile (NM_001256268.2); short protein forms V983I, V1277I.
Identifiers: ClinVar variation 846895 (VCV000846895.1), dbSNP rs2043889024, ClinGen allele CA376829932.